The following is an entry in ClinVar:

ClinVar aggregate classification (germline): Uncertain significance. Review status: criteria provided, multiple submitters, no conflicts (2 of 4 stars). 3 submissions from 3 submitters: Uncertain significance (3). Last evaluated 2025-11-06.

Conditions:
MYH9-related disorder. Identifiers: MedGen C1854520.

Allele frequency attached by ClinVar (database versions not stated): gnomAD exomes below 0.00001; gnomAD 0.00001; TOPMed 0.00001; ExAC 0.00002; ESP Exome Variant Server 0.00015; 1000 Genomes Project 30x 0.00016; 1000 Genomes Project 0.00020.

Submissions (3):

GeneDx
Classification: Uncertain significance. Last evaluated: 2025-11-06. Review status: criteria provided, single submitter. Criteria: GeneDx Variant Classification Process June 2021. Collection method: clinical testing. Allele origin: germline. Affected: yes.
Comment: Not observed at significant frequency in large population cohorts (gnomAD); In silico analysis supports that this missense variant has a deleterious effect on protein structure/function; Has not been previously published as pathogenic or benign to our knowledge

PreventionGenetics, part of Exact Sciences
Classification: Uncertain significance for MYH9-related condition. Last evaluated: 2025-06-24. Review status: criteria provided, single submitter. Criteria: ACMG Guidelines, 2015. Collection method: clinical testing. Allele origin: germline.
Comment: The MYH9 c.4447C>T variant is predicted to result in the amino acid substitution p.Arg1483Trp. To our knowledge, this variant has not been reported in the literature. This variant is reported in 0.00088% of alleles in individuals of European (Non-Finnish) descent in gnomAD. At this time, the clinical significance of this variant is uncertain due to the absence of conclusive functional and genetic evidence.

Labcorp Genetics (formerly Invitae), Labcorp
Classification: Uncertain significance. Last evaluated: 2022-03-18. Review status: criteria provided, single submitter. Criteria: Invitae Variant Classification Sherloc (09022015). Collection method: clinical testing. Allele origin: germline.
Comment: This variant is present in population databases (rs368105628, gnomAD 0.002%). In summary, the available evidence is currently insufficient to determine the role of this variant in disease. Therefore, it has been classified as a Variant of Uncertain Significance. Algorithms developed to predict the effect of missense changes on protein structure and function are either unavailable or do not agree on the potential impact of this missense change (SIFT: "Deleterious"; PolyPhen-2: "Probably Damaging"; Align-GVGD: "Class C0"). This variant has not been reported in the literature in individuals affected with MYH9-related conditions. This sequence change replaces arginine, which is basic and polar, with tryptophan, which is neutral and slightly polar, at codon 1483 of the MYH9 protein (p.Arg1483Trp).

NM_002473.6(MYH9):c.4447C>T (p.Arg1483Trp)

Gene: MYH9 (myosin heavy chain 9; minus strand). Cytogenetic location: 22q12.3.
Variant type: single nucleotide variant.
Coding change: c.4447C>T on transcript NM_002473.6 (MANE Select); coding-DNA position 4447, C replaced by T.
Protein change: p.Arg1483Trp; replaces arginine 1483 with tryptophan.
Molecular consequence: missense variant.
Genome position (GRCh38, 1-based): chr22:36,289,195, G>A on the plus strand (C>T on the coding strand, the complement: MYH9 is on the minus strand). VCF-style: chr22-36289195-G-A. GRCh37 (hg19) VCF-style: chr22-36685241-G-A.
Other names: c.4447C>T (NM_002473.5, NM_002473.4); short protein forms R1483W.
Identifiers: ClinVar variation 1494178 (VCV001494178.9), dbSNP rs368105628, ClinGen allele CA10209360.